The following is an entry in ClinVar:

ClinVar aggregate classification (germline): Pathogenic/Likely pathogenic. Review status: criteria provided, multiple submitters, no conflicts (2 of 4 stars). 3 submissions from 3 submitters: Pathogenic (1); Likely pathogenic (1). 1 of the submissions does not count toward it. Last evaluated 2024-12-27.

Conditions:
Ornithine carbamoyltransferase deficiency (OTCD). Also called: ORNITHINE TRANSCARBAMYLASE DEFICIENCY, HYPERAMMONEMIA DUE TO; ORNITHINE TRANSCARBAMYLASE DEFICIENCY; OTC DEFICIENCY; Ornithine Carbamoyltransferase Deficiency Disease. Identifiers: Orphanet 664, MedGen C0268542, MONDO:0010703, OMIM 311250.

Submissions (3):

Women's Health and Genetics/Laboratory Corporation of America, LabCorp
Classification: Likely pathogenic for Ornithine carbamoyltransferase deficiency. Last evaluated: 2024-12-27. Review status: criteria provided, single submitter. Criteria: LabCorp Variant Classification Summary - May 2015. Collection method: clinical testing. Allele origin: germline.
Comment: Variant summary: OTC c.907T>G (p.Cys303Gly) results in a non-conservative amino acid change in the encoded protein sequence. Five of five in-silico tools predict a damaging effect of the variant on protein function. The variant was absent in 183267 control chromosomes (gnomAD). c.907T>G has been reported in individuals affected with Ornithine Transcarbamylase Deficiency (Tuchman_2002, Labcorp Genetics (formerly Invitae)). These data indicate that the variant may be associated with disease. Publications report experimental evidence evaluating an impact on protein function. The most pronounced variant effect results in 10%-<30% of normal activity (Scharre_2022). The following publications have been ascertained in the context of this evaluation (PMID: 11793468, 37146589, 36217298). ClinVar contains an entry for this variant (Variation ID: 97357). Based on the evidence outlined above, the variant was classified as likely pathogenic.

Labcorp Genetics (formerly Invitae), Labcorp
Classification: Pathogenic for Ornithine carbamoyltransferase deficiency. Last evaluated: 2021-11-07. Review status: criteria provided, single submitter. Criteria: Invitae Variant Classification Sherloc (09022015). Collection method: clinical testing. Allele origin: germline.
Comment: For these reasons, this variant has been classified as Pathogenic. This variant disrupts the p.Cys303 amino acid residue in OTC. Other variant(s) that disrupt this residue have been observed in individuals with OTC-related conditions (PMID: 9266388, 9452049), which suggests that this may be a clinically significant amino acid residue. This sequence change replaces cysteine, which is neutral and slightly polar, with glycine, which is neutral and non-polar, at codon 303 of the OTC protein (p.Cys303Gly). This variant is not present in population databases (gnomAD no frequency). This missense change has been observed in individuals with clinical features of ornithine transcarbamylase deficiency (PMID: 11793468; Invitae). ClinVar contains an entry for this variant (Variation ID: 97357). Advanced modeling of protein sequence and biophysical properties (such as structural, functional, and spatial information, amino acid conservation, physicochemical variation, residue mobility, and thermodynamic stability) performed at Invitae indicates that this missense variant is expected to disrupt OTC protein function.

GenMed Metabolism Lab
Classification: Pathogenic. Review status: no assertion criteria provided. Collection method: not provided. Allele origin: unknown. Not counted in ClinVar's aggregate classification.
Comment: p.Cys303Gly, Neonatal, Ornithine binding site
ClinVar note: Converted during submission from pathogenic to Pathogenic.

Literature cited by the submitters: PubMed 11793468 (cited by Women's Health and Genetics/Laboratory Corporation of America, LabCorp and Labcorp Genetics (formerly Invitae), Labcorp); PubMed 37146589 (cited by Women's Health and Genetics/Laboratory Corporation of America, LabCorp); PubMed 36217298 (cited by Women's Health and Genetics/Laboratory Corporation of America, LabCorp); PubMed 9266388 (cited by Labcorp Genetics (formerly Invitae), Labcorp); PubMed 9452049 (cited by Labcorp Genetics (formerly Invitae), Labcorp).

NM_000531.6(OTC):c.907T>G (p.Cys303Gly)

Gene: OTC (ornithine transcarbamylase; plus strand). Cytogenetic location: Xp11.4.
Variant type: single nucleotide variant.
Coding change: c.907T>G on transcript NM_000531.6 (MANE Select); coding-DNA position 907, T replaced by G.
Protein change: p.Cys303Gly; replaces cysteine 303 with glycine.
Molecular consequence: missense variant.
Genome position (GRCh38, 1-based): chrX:38,411,901, T>G. VCF-style: chrX-38411901-T-G. GRCh37 (hg19) VCF-style: chrX-38271154-T-G.
Other names: short protein forms C303G.
Identifiers: ClinVar variation 97357 (VCV000097357.9), dbSNP rs67468335, ClinGen allele CA224831.